The following is an entry in ClinVar:

NM_000179.3(MSH6):c.855_858del (p.Ser285fs)

Gene: MSH6 (mutS homolog 6; plus strand). Cytogenetic location: 2p16.3.
Variant type: Deletion.
Coding change: c.855_858del on transcript NM_000179.3 (MANE Select); coding-DNA positions 855 to 858, 4 bases deleted (TGAG; older notation c.855_858delTGAG).
Protein change: p.Ser285fs; shifts the reading frame from serine 285.
Molecular consequence: frameshift variant. On other transcripts: 5 prime UTR variant (9), non-coding transcript variant (4), intron variant (1).
Genome position (GRCh38, 1-based): chr2:47,798,838-47,798,841, TGAG deleted; deleting any 4 consecutive bases within chr2:47,798,836-47,798,841 gives the same sequence; the c. name uses the placement nearest the transcript's 3' end. VCF-style (leftmost placement, unchanged base first): chr2-47798835-TAGTG-T. GRCh37 (hg19) VCF-style: chr2-48025974-TAGTG-T.
Other names: c.465_468del, p.Ser155fs (NM_001281492.2); c.-52_-49del (NM_001281493.2, NM_001281494.2, NM_001406811.1 and 6 more transcripts); c.951_954del, p.Ser317fs (NM_001406795.1, NM_001406802.1); c.855_858del, p.Ser285fs (NM_001406796.1, NM_001406798.1, NM_001406800.1 and 4 more transcripts); c.558_561del, p.Ser186fs (NM_001406797.1, NM_001406801.1, NM_001406805.1 and 10 more transcripts); c.330_333del, p.Ser110fs (NM_001406799.1, NM_001406806.1, NM_001406807.1); c.777_780del, p.Ser259fs (NM_001406804.1); c.861_864del, p.Ser287fs (NM_001406813.1); and 2 more; short protein forms S110fs, S259fs, S229fs, S285fs, S155fs, S287fs, S317fs, S186fs.
Identifiers: ClinVar variation 5006302 (VCV005006302.2).
Genomic context (GRCh38, chr2:47,798,835, plus strand): 5'-ATTTAAGCCAGACACTAAGGAGGAAGGAAGCAGTGATGAAATAAGCAGTGGAGTGGGGGA[TAGTG>T]AGAGTGAAGGCCTGAACAGCCCTGTCAAAGTTGCTCGAAAGCGGAAGAGAATGGTGACTG-3'

ClinVar aggregate classification (germline): Likely pathogenic (1 of 4 stars; one submission).

Conditions:
Lynch syndrome 5 (LYNCH5). Also called: Hereditary non-polyposis colorectal cancer, type 5; Colorectal cancer, hereditary nonpolyposis, type 5. Identifiers: Orphanet 144, MedGen C1833477, MONDO:0013710, OMIM 614350. Disease mechanism: loss of function.
Mismatch repair cancer syndrome 3. Identifiers: MedGen C5436807, MONDO:0030841, OMIM 619097.
Endometrial carcinoma. Also called: Endometrial carcinoma, somatic. Identifiers: MedGen C0476089, MONDO:0002447, OMIM 608089, HP:0012114.

Submission:

Juno Genomics, Hangzhou Juno Genomics, Inc
Classification: Likely pathogenic for Lynch syndrome 5; Endometrial carcinoma; Mismatch repair cancer syndrome 3. Review status: criteria provided, single submitter. Criteria: ACMG Guidelines, 2015. Collection method: clinical testing. Allele origin: germline.
Comment: Null variant in a gene where loss of function (LOF) is a known mechanism of disease.;Absent from controls (or at extremely low frequency if recessive) in Genome Aggregation Database.